The following is an entry in ClinVar:

NM_000829.4(GRIA4):c.549T>C (p.Ala183=)

Gene: GRIA4 (glutamate ionotropic receptor AMPA type subunit 4; plus strand). Cytogenetic location: 11q22.3.
Variant type: single nucleotide variant.
Coding change: c.549T>C on transcript NM_000829.4 (MANE Select); coding-DNA position 549, T replaced by C.
Protein change: p.Ala183=; no amino-acid change (alanine 183 retained).
Molecular consequence: synonymous variant. On other transcripts: non-coding transcript variant (1).
Genome position (GRCh38, 1-based): chr11:105,862,085, T>C. VCF-style: chr11-105862085-T-C. GRCh37 (hg19) VCF-style: chr11-105732811-T-C.
Other names: c.549T>C, p.Ala183= (NM_001077243.3, NM_001077244.2, NM_001112812.2 and 20 more transcripts).
Identifiers: ClinVar variation 4534779 (VCV004534779.6).

ClinVar aggregate classification (germline): Likely benign (1 of 4 stars; one submission).

gnomAD v4.1: 56 of 1,611,288 alleles (0.0035%); highest among the groups gnomAD compares: Admixed American, 0.093%; no homozygotes.

Submission:

CeGaT Center for Human Genetics Tuebingen
Classification: Likely benign. Last evaluated: 2026-06-01. Review status: criteria provided, single submitter. Criteria: CeGaT Center For Human Genetics Tuebingen Variant Classification Criteria Version 2. Collection method: clinical testing. Allele origin: germline. Affected: yes. Observed: 3 variant alleles.
Comment: GRIA4: BP4, BP7